The following is an entry in ClinVar:

ClinVar aggregate classification (germline): Uncertain significance (1 of 4 stars; one submission).

Conditions:
Hereditary cancer-predisposing syndrome. Also called: Neoplastic Syndromes, Hereditary; Tumor predisposition; Hereditary Cancer Syndrome; Hereditary neoplastic syndrome. Identifiers: Orphanet 140162, MedGen C0027672, MeSH D009386, MONDO:0015356.

Allele frequency attached by ClinVar (database versions not stated): gnomAD 0.00001; TOPMed 0.00001.
gnomAD v4.1: 1 of 1,613,820 alleles (0.000062%); highest among the groups gnomAD compares: African/African-American, 0.0013%; no homozygotes.

Submission:

Ambry Genetics
Classification: Uncertain significance for Hereditary cancer-predisposing syndrome. Last evaluated: 2022-09-21. Review status: criteria provided, single submitter. Criteria: Ambry Variant Classification Scheme 2023. Collection method: clinical testing. Allele origin: germline.
Comment: The p.L76R variant (also known as c.227T>G), located in coding exon 3 of the MRE11A gene, results from a T to G substitution at nucleotide position 227. The leucine at codon 76 is replaced by arginine, an amino acid with dissimilar properties. This amino acid position is well conserved in available vertebrate species. In addition, this alteration is predicted to be deleterious by in silico analysis. Since supporting evidence is limited at this time, the clinical significance of this alteration remains unclear.

NM_005591.4(MRE11):c.227T>G (p.Leu76Arg)

Gene: MRE11 (MRE11 double strand break repair nuclease; minus strand). Cytogenetic location: 11q21.
Variant type: single nucleotide variant.
Coding change: c.227T>G on transcript NM_005591.4 (MANE Select); coding-DNA position 227, T replaced by G.
Protein change: p.Leu76Arg; replaces leucine 76 with arginine.
Molecular consequence: missense variant.
Genome position (GRCh38, 1-based): chr11:94,486,011, A>C on the plus strand (T>G on the coding strand, the complement: MRE11 is on the minus strand). VCF-style: chr11-94486011-A-C. GRCh37 (hg19) VCF-style: chr11-94219177-A-C.
Other names: c.227T>G, p.Leu76Arg (NM_001330347.2, NM_005590.4); short protein forms L76R.
Identifiers: ClinVar variation 233604 (VCV000233604.5), dbSNP rs876660516, ClinGen allele CA10579419.